The following is an entry in ClinVar:

NM_005428.4(VAV1):c.952G>A (p.Gly318Arg)

Gene: VAV1 (vav guanine nucleotide exchange factor 1; plus strand). Cytogenetic location: 19p13.3.
Variant type: single nucleotide variant.
Coding change: c.952G>A on transcript NM_005428.4 (MANE Select); coding-DNA position 952, G replaced by A.
Protein change: p.Gly318Arg; replaces glycine 318 with arginine.
Molecular consequence: missense variant.
Genome position (GRCh38, 1-based): chr19:6,828,100, G>A. VCF-style: chr19-6828100-G-A. GRCh37 (hg19) VCF-style: chr19-6828111-G-A.
Other names: c.952G>A, p.Gly318Arg (NM_001258206.2); c.856G>A, p.Gly286Arg (NM_001258207.2); short protein forms G286R, G318R.
Identifiers: ClinVar variation 2999606 (VCV002999606.3), dbSNP rs1291265584, ClinGen allele CA403620164.

ClinVar aggregate classification (germline): Uncertain significance (1 of 4 stars; one submission).

Allele frequency attached by ClinVar (database versions not stated): TOPMed below 0.00001; gnomAD 0.00001.
gnomAD v4.1: 2 of 1,614,010 alleles (0.00012%); highest among the groups gnomAD compares: Admixed American, 0.0017%; no homozygotes.

Submission:

Labcorp Genetics (formerly Invitae), Labcorp
Classification: Uncertain significance. Last evaluated: 2023-09-05. Review status: criteria provided, single submitter. Criteria: Invitae Variant Classification Sherloc (09022015). Collection method: clinical testing. Allele origin: germline.
Comment: This variant has not been reported in the literature in individuals affected with VAV1-related conditions. This sequence change replaces glycine, which is neutral and non-polar, with arginine, which is basic and polar, at codon 318 of the VAV1 protein (p.Gly318Arg). This variant is present in population databases (no rsID available, gnomAD 0.003%). An algorithm developed to predict the effect of missense changes on protein structure and function (PolyPhen-2) suggests that this variant is likely to be disruptive. In summary, the available evidence is currently insufficient to determine the role of this variant in disease. Therefore, it has been classified as a Variant of Uncertain Significance.